The following is an entry in ClinVar:

ClinVar aggregate classification (germline): Pathogenic (1 of 4 stars; one submission).

Conditions:
HYPERHOMOCYSTEINEMIA, THROMBOTIC, CBS-RELATED. Identifiers: MedGen C3150344, OMIM 236200.

Submission:

Labcorp Genetics (formerly Invitae), Labcorp
Classification: Pathogenic for HYPERHOMOCYSTEINEMIA, THROMBOTIC, CBS-RELATED. Last evaluated: 2021-01-29. Review status: criteria provided, single submitter. Criteria: Invitae Variant Classification Sherloc (09022015). Collection method: clinical testing. Allele origin: germline.
Comment: For these reasons, this variant has been classified as Pathogenic. This variant has not been reported in the literature in individuals with CBS-related conditions. This variant is not present in population databases (ExAC no frequency). This sequence change creates a premature translational stop signal (p.Ile143Asnfs*45) in the CBS gene. It is expected to result in an absent or disrupted protein product. Loss-of-function variants in CBS are known to be pathogenic (PMID: 10338090, 12124992).

Literature cited by the submitters: PubMed 10338090; PubMed 12124992.

NM_000071.3(CBS):c.427dup (p.Ile143fs)

Gene: CBS (cystathionine beta-synthase; minus strand). Cytogenetic location: 21q22.3.
Variant type: Duplication.
Coding change: c.427dup on transcript NM_000071.3 (MANE Select); coding-DNA position 427, one base duplicated (A; older notation c.427dupA).
Protein change: p.Ile143fs; shifts the reading frame from isoleucine 143.
Molecular consequence: frameshift variant.
Genome position (GRCh38, 1-based): chr21:43,066,267, T duplicated on the plus strand (A on the coding strand, the reverse complement: CBS is on the minus strand). VCF-style (leftmost placement, unchanged base first): chr21-43066266-A-AT. GRCh37 (hg19) VCF-style: chr21-44486376-A-AT.
Other names: c.427dup, p.Ile143fs (NM_001178008.3, NM_001178009.3, NM_001320298.2); c.112dup, p.Ile38fs (NM_001321072.1); short protein forms I38fs, I143fs.
Identifiers: ClinVar variation 1458882 (VCV001458882.6), dbSNP rs2146393861, ClinGen allele CA2573157491.